The following is an entry in ClinVar:

ClinVar aggregate classification (germline): Pathogenic (1 of 4 stars; one submission).

Allele frequency attached by ClinVar (database versions not stated): TOPMed below 0.00001; gnomAD 0.00001.

Submission:

Labcorp Genetics (formerly Invitae), Labcorp
Classification: Pathogenic. Last evaluated: 2021-09-17. Review status: criteria provided, single submitter. Criteria: Invitae Variant Classification Sherloc (09022015). Collection method: clinical testing. Allele origin: germline.
Comment: This missense change has been observed in individual(s) with Stargardt disease (Invitae). In at least one individual the data is consistent with the variant being in trans (on the opposite chromosome) from a pathogenic variant. This variant is not present in population databases (ExAC no frequency). This sequence change replaces methionine with isoleucine at codon 1690 of the ABCA4 protein (p.Met1690Ile). The methionine residue is highly conserved and there is a small physicochemical difference between methionine and isoleucine. Advanced modeling of protein sequence and biophysical properties (such as structural, functional, and spatial information, amino acid conservation, physicochemical variation, residue mobility, and thermodynamic stability) performed at Invitae indicates that this missense variant is expected to disrupt ABCA4 protein function. For these reasons, this variant has been classified as Pathogenic.

NM_000350.3(ABCA4):c.5070G>A (p.Met1690Ile)

Gene: ABCA4 (ATP binding cassette subfamily A member 4; minus strand). Cytogenetic location: 1p22.1.
Variant type: single nucleotide variant.
Coding change: c.5070G>A on transcript NM_000350.3 (MANE Select); coding-DNA position 5070, G replaced by A.
Protein change: p.Met1690Ile; replaces methionine 1690 with isoleucine.
Molecular consequence: missense variant.
Genome position (GRCh38, 1-based): chr1:94,019,708, C>T on the plus strand (G>A on the coding strand, the complement: ABCA4 is on the minus strand). VCF-style: chr1-94019708-C-T. GRCh37 (hg19) VCF-style: chr1-94485264-C-T.
Other names: c.4848G>A, p.Met1616Ile (NM_001425324.1); short protein forms M1690I, M1616I.
Identifiers: ClinVar variation 1456885 (VCV001456885.6), dbSNP rs1659843366, ClinGen allele CA341282778.